The following is an entry in ClinVar:

ClinVar aggregate classification (germline): Likely pathogenic (1 of 4 stars; one submission).

Conditions:
IRF2BPL-related disorder. Also called: IRF2BPL-related condition. Identifiers: MedGen CN381093.

gnomAD v4.1: 1 of 299,164 alleles (0.00033%); highest among the groups gnomAD compares: South Asian, 0.0046%; no homozygotes.

Submission:

PreventionGenetics, part of Exact Sciences
Classification: Likely pathogenic for IRF2BPL-related condition. Last evaluated: 2024-10-23. Review status: criteria provided, single submitter. Criteria: ACMG Guidelines, 2015. Collection method: clinical testing. Allele origin: germline.
Comment: The IRF2BPL c.343C>T variant is predicted to result in premature protein termination (p.Gln115*). To our knowledge, this variant has not been reported in the literature or in a large population database (gnomAD), indicating this variant is rare. Nonsense variants in IRF2BPL are expected to be pathogenic. This variant is interpreted as likely pathogenic.

NM_024496.4(IRF2BPL):c.343C>T (p.Gln115Ter)

Gene: IRF2BPL (interferon regulatory factor 2 binding protein like; minus strand). Cytogenetic location: 14q24.3.
Variant type: single nucleotide variant.
Coding change: c.343C>T on transcript NM_024496.4 (MANE Select); coding-DNA position 343, C replaced by T.
Protein change: p.Gln115Ter; replaces glutamine 115 with a stop codon.
Molecular consequence: nonsense.
Genome position (GRCh38, 1-based): chr14:77,027,450, G>A on the plus strand (C>T on the coding strand, the complement: IRF2BPL is on the minus strand). VCF-style: chr14-77027450-G-A. GRCh37 (hg19) VCF-style: chr14-77493793-G-A.
Other names: short protein forms Q115*.
Identifiers: ClinVar variation 4988989 (VCV004988989.1).